The following is an entry in ClinVar:

NM_014363.6(SACS):c.5765T>A (p.Leu1922Ter)

Gene: SACS (sacsin molecular chaperone; minus strand). Cytogenetic location: 13q12.12.
Variant type: single nucleotide variant.
Coding change: c.5765T>A on transcript NM_014363.6 (MANE Select); coding-DNA position 5765, T replaced by A.
Protein change: p.Leu1922Ter; replaces leucine 1922 with a stop codon.
Molecular consequence: nonsense.
Genome position (GRCh38, 1-based): chr13:23,338,111, A>T on the plus strand (T>A on the coding strand, the complement: SACS is on the minus strand). VCF-style: chr13-23338111-A-T. GRCh37 (hg19) VCF-style: chr13-23912250-A-T.
Other names: c.5324T>A, p.Leu1775Ter (NM_001278055.2); c.5792T>A, p.Leu1931Ter (NM_001437336.1); short protein forms L1775*, L1922*, L1931*.
Identifiers: ClinVar variation 4815704 (VCV004815704.1).
Genomic context (GRCh38, chr13:23,338,111, plus strand): 5'-TAAGTATAATCCATTAGCTCCCCACTAGTGGCCAGGTCCCGTAAGACACTCAGTACCTGT[A>T]AGTAAGCTTTCACAATAACATGTCTCATGAACGTGGTATTCCATCGTCCTTTTGTATCTG-3'

ClinVar aggregate classification (germline): Likely pathogenic (1 of 4 stars; one submission).

Conditions:
Charlevoix-Saguenay spastic ataxia (SACS). Also called: AUTOSOMAL RECESSIVE SPASTIC ATAXIA OF CHARLEVOIX-SAGUENAY; Spastic ataxia of Charlevoix-Saguenay; SPASTIC ATAXIA 6, AUTOSOMAL RECESSIVE. Identifiers: Orphanet 98, MedGen C1849140, MONDO:0010041, OMIM 270550.

Submission:

Natera, Inc.
Classification: Likely pathogenic for Charlevoix-Saguenay type spastic ataxia. Last evaluated: 2025-06-09. Review status: criteria provided, single submitter. Criteria: Natera Variant Classification Schema (03/2026). Collection method: clinical testing. Allele origin: germline.
Comment: The c.5765T>A variant in SACS is a nonsense variant predicted to introduce a stop codon at amino acid 1922. This variant is expected to result in nonsense mediated decay, truncation, or a dysfunctional protein product. This variant is rare in the general population with a frequency below the threshold expected for the associated phenotype(s). Given the available evidence, this variant is classified as Likely Pathogenic.